The following is an entry in ClinVar:

NM_000081.4(LYST):c.7857T>C (p.His2619=)

Gene: LYST (lysosomal trafficking regulator; minus strand). Cytogenetic location: 1q42.3.
Variant type: single nucleotide variant.
Coding change: c.7857T>C on transcript NM_000081.4 (MANE Select); coding-DNA position 7857, T replaced by C.
Protein change: p.His2619=; no amino-acid change (histidine 2619 retained).
Molecular consequence: synonymous variant.
Genome position (GRCh38, 1-based): chr1:235,746,451, A>G on the plus strand (T>C on the coding strand, the complement: LYST is on the minus strand). VCF-style: chr1-235746451-A-G. GRCh37 (hg19) VCF-style: chr1-235909751-A-G.
Other names: p.His2619=; c.7857T>C (NM_000081.2); c.7857T>C, p.His2619= (NM_001301365.1).
Identifiers: ClinVar variation 254940 (VCV000254940.24), dbSNP rs34160788, ClinGen allele CA1466009.

ClinVar aggregate classification (germline): Benign. Review status: criteria provided, multiple submitters, no conflicts (2 of 4 stars). 7 submissions from 7 submitters: Benign (7). Last evaluated 2026-02-04.

Conditions:
Autoinflammatory syndrome. Identifiers: Orphanet 93665, MedGen C3890737, MONDO:0019751.
Chédiak-Higashi syndrome (CHS). Also called: Chediak-Higashi Syndrome. Identifiers: Orphanet 167, MedGen C0007965, MONDO:0008963, OMIM 214500.

Allele frequency attached by ClinVar (database versions not stated): gnomAD exomes 0.00270 and 0.00744; ExAC 0.00925; gnomAD 0.02760 and 0.02966; ESP Exome Variant Server 0.03152; TOPMed 0.03203; 1000 Genomes Project 0.03255; 1000 Genomes Project 30x 0.03404.
gnomAD v4.1: 8,352 of 1,613,916 alleles (0.52%); highest among the groups gnomAD compares: African/African-American, 9.4%; 339 homozygotes.

Submissions (7):

Labcorp Genetics (formerly Invitae), Labcorp
Classification: Benign for Chédiak-Higashi syndrome. Last evaluated: 2026-02-04. Review status: criteria provided, single submitter. Criteria: Invitae Variant Classification Sherloc (09022015). Collection method: clinical testing. Allele origin: germline.

Mayo Clinic Laboratories, Mayo Clinic
Classification: Benign. Last evaluated: 2023-09-24. Review status: criteria provided, single submitter. Criteria: ACMG Guidelines, 2015. Collection method: clinical testing. Allele origin: germline. Observed: 62 variant alleles.

Genome Diagnostics Laboratory, The Hospital for Sick Children
Classification: Benign for Autoinflammatory syndrome. Last evaluated: 2022-02-25. Review status: criteria provided, single submitter. Criteria: ACMG Guidelines, 2015. Collection method: clinical testing. Allele origin: germline. Affected: yes.

GeneDx
Classification: Benign. Last evaluated: 2019-07-14. Review status: criteria provided, single submitter. Criteria: GeneDx Variant Classification Process June 2021. Collection method: clinical testing. Allele origin: germline. Affected: yes.

Illumina Laboratory Services, Illumina
Classification: Benign for Chédiak-Higashi syndrome. Last evaluated: 2018-01-13. Review status: criteria provided, single submitter. Criteria: ICSL Variant Classification Criteria 13 December 2019. Collection method: clinical testing. Allele origin: germline.
Comment: This variant was observed in the ICSL laboratory as part of a predisposition screen in an ostensibly healthy population. It had not been previously curated by ICSL or reported in the Human Gene Mutation Database (HGMD: prior to June 1st, 2018), and was therefore a candidate for classification through an automated scoring system. Utilizing variant allele frequency, disease prevalence and penetrance estimates, and inheritance mode, an automated score was calculated to assess if this variant is too frequent to cause the disease. Based on the score and internal cut-off values, a variant classified as benign is not then subjected to further curation. The score for this variant resulted in a classification of benign for this disease.

Breakthrough Genomics
Classification: Benign. Review status: criteria provided, single submitter. Criteria: ACMG Guidelines, 2015. Collection method: not provided. Allele origin: germline. Inheritance: Autosomal recessive inheritance. Affected: yes.

PreventionGenetics, part of Exact Sciences
Classification: Benign. Review status: criteria provided, single submitter. Criteria: ACMG Guidelines, 2015. Collection method: clinical testing. Allele origin: germline.